The following is an entry in ClinVar:

NM_001377334.1(PIK3C2B):c.4812C>T (p.Leu1604=)

Gene: PIK3C2B (phosphatidylinositol-4-phosphate 3-kinase catalytic subunit type 2 beta; minus strand). Cytogenetic location: 1q32.1.
Variant type: single nucleotide variant.
Coding change: c.4812C>T on transcript NM_001377334.1 (MANE Select); coding-DNA position 4812, C replaced by T.
Protein change: p.Leu1604=; no amino-acid change (leucine 1604 retained).
Molecular consequence: synonymous variant.
Genome position (GRCh38, 1-based): chr1:204,424,945, G>A on the plus strand (C>T on the coding strand, the complement: PIK3C2B is on the minus strand). VCF-style: chr1-204424945-G-A. GRCh37 (hg19) VCF-style: chr1-204394073-G-A.
Other names: c.4728C>T, p.Leu1576= (NM_001377335.1); c.4812C>T, p.Leu1604= (NM_002646.4).
Identifiers: ClinVar variation 3034452 (VCV003034452.2), dbSNP rs61758019, ClinGen allele CA1346997.

ClinVar aggregate classification (germline): Benign (0 of 4 stars; one submission).

Conditions:
PIK3C2B-related disorder. Also called: PIK3C2B-related condition.

Allele frequency attached by ClinVar (database versions not stated): gnomAD exomes 0.00039; ExAC 0.00111; TOPMed 0.00351; ESP Exome Variant Server 0.00400; 1000 Genomes Project 0.00439; 1000 Genomes Project 30x 0.00468.
gnomAD v4.1: 1,092 of 1,614,170 alleles (0.068%); highest among the groups gnomAD compares: African/African-American, 1.2%; 11 homozygotes.

Submission:

PreventionGenetics, part of Exact Sciences
Classification: Benign for PIK3C2B-related condition. Last evaluated: 2019-02-19. Review status: no assertion criteria provided. Collection method: clinical testing. Allele origin: germline.
Comment: This variant is classified as benign based on ACMG/AMP sequence variant interpretation guidelines (Richards et al. 2015 PMID: 25741868, with internal and published modifications).